The following is an entry in ClinVar:

NM_007327.4(GRIN1):c.1126G>T (p.Asp376Tyr)

Gene: GRIN1 (glutamate ionotropic receptor NMDA type subunit 1; plus strand). Cytogenetic location: 9q34.3.
Variant type: single nucleotide variant.
Coding change: c.1126G>T on transcript NM_007327.4 (MANE Select); coding-DNA position 1126, G replaced by T.
Protein change: p.Asp376Tyr; replaces aspartic acid 376 with tyrosine.
Molecular consequence: missense variant.
Genome position (GRCh38, 1-based): chr9:137,158,633, G>T. VCF-style: chr9-137158633-G-T. GRCh37 (hg19) VCF-style: chr9-140053085-G-T.
Other names: c.1126G>T, p.Asp376Tyr (NM_000832.7, NM_021569.4); c.1189G>T, p.Asp397Tyr (NM_001185090.2, NM_001185091.2); short protein forms D376Y, D397Y.
Identifiers: ClinVar variation 3239465 (VCV003239465.19), dbSNP rs2538610058.

ClinVar aggregate classification (germline): Uncertain significance (1 of 4 stars; one submission).

Submission:

CeGaT Center for Human Genetics Tuebingen
Classification: Uncertain significance. Last evaluated: 2024-05-01. Review status: criteria provided, single submitter. Criteria: CeGaT Center For Human Genetics Tuebingen Variant Classification Criteria Version 2. Collection method: clinical testing. Allele origin: germline. Affected: yes. Observed: 1 variant allele.
Comment: GRIN1: PM2, PP2